The following is an entry in ClinVar:

ClinVar aggregate classification (germline): Pathogenic (1 of 4 stars; one submission).

Conditions:
Tuberous sclerosis 2 (TSC2). Identifiers: Orphanet 805, MedGen C1860707, MONDO:0013199, OMIM 613254.

Submission:

Labcorp Genetics (formerly Invitae), Labcorp
Classification: Pathogenic for Tuberous sclerosis 2. Last evaluated: 2025-10-19. Review status: criteria provided, single submitter. Criteria: Invitae Variant Classification Sherloc (09022015). Collection method: clinical testing. Allele origin: germline.
Comment: This sequence change creates a premature translational stop signal (p.Val766Trpfs*7) in the TSC2 gene. It is expected to result in an absent or disrupted protein product. Loss-of-function variants in TSC2 are known to be pathogenic (PMID: 10205261, 17304050). This variant is not present in population databases (gnomAD no frequency). This variant has not been reported in the literature in individuals affected with TSC2-related conditions. Algorithms developed to predict the effect of sequence changes on RNA splicing suggest that this variant may disrupt the consensus splice site. For these reasons, this variant has been classified as Pathogenic.

Literature cited by the submitters: PubMed 10205261; PubMed 17304050.

NM_000548.5(TSC2):c.2291_2295dup (p.Val766fs)

Gene: TSC2 (TSC complex subunit 2; plus strand). Cytogenetic location: 16p13.3.
Variant type: Duplication.
Coding change: c.2291_2295dup on transcript NM_000548.5 (MANE Select); coding-DNA positions 2291 to 2295, 5 bases duplicated (TGGCC; older notation c.2291_2295dupTGGCC).
Protein change: p.Val766fs; shifts the reading frame from valine 766.
Molecular consequence: frameshift variant. On other transcripts: non-coding transcript variant (5).
Genome position (GRCh38, 1-based): chr16:2,072,919-2,072,923, TGGCC duplicated; duplicating any 5 consecutive bases within chr16:2,072,917-2,072,923 gives the same sequence; the c. name uses the placement nearest the transcript's 3' end. VCF-style (leftmost placement, unchanged base first): chr16-2072916-A-ACCTGG. GRCh37 (hg19) VCF-style: chr16-2122917-A-ACCTGG.
Other names: c.2291_2295dup, p.Val766fs (NM_001077183.3, NM_001406664.1, NM_001406665.1 and 6 more transcripts); c.2381_2385dup, p.Val796fs (NM_001406667.1, NM_001406668.1); c.2180_2184dup, p.Val729fs (NM_001406670.1, NM_001406678.1, NM_001318827.2); c.2279_2283dup, p.Val762fs (NM_001406671.1, NM_001406673.1); c.2144_2148dup, p.Val717fs (NM_001406675.1, NM_001406676.1, NM_001406679.1 and 1 more transcripts); c.2234_2238dup, p.Val747fs (NM_001406677.1); c.1691_1695dup, p.Val566fs (NM_001406680.1, NM_001406682.1, NM_001406683.1 and 6 more transcripts); c.1829_1833dup, p.Val612fs (NM_001406681.1); and 3 more; short protein forms V232fs, V717fs, V762fs, V796fs, V566fs, V318fs, V612fs, V747fs.
Identifiers: ClinVar variation 4729497 (VCV004729497.1).